The following is an entry in ClinVar:

ClinVar aggregate classification (germline): Uncertain significance. Review status: criteria provided, multiple submitters, no conflicts (2 of 4 stars). 3 submissions from 3 submitters: Uncertain significance (3). Last evaluated 2024-12-31.

Conditions:
Inborn genetic diseases. Identifiers: MedGen C0950123, MeSH D030342.
H syndrome. Also called: Histiocytosis with joint contractures and sensorineural deafness; FAISALABAD HISTIOCYTOSIS; Pigmented hypertrichosis and insulin-dependent diabetes mellitus; Asrar Facharzt Haque syndrome; HISTIOCYTOSIS AND LYMPHADENOPATHY WITH OR WITHOUT CUTANEOUS, CARDIAC, AND/OR ENDOCRINE FEATURES, JOINT CONTRACTURES, AND/OR DEAFNESS; HYPERPIGMENTATION, CUTANEOUS, WITH HYPERTRICHOSIS, HEPATOSPLENOMEGALY, HEART ANOMALIES, AND HYPOGONADISM WITH OR WITHOUT HEARING LOSS. Identifiers: Orphanet 168569, MedGen C1864445, MONDO:0011273, OMIM 602782.

Allele frequency attached by ClinVar (database versions not stated): gnomAD 0.00001; gnomAD exomes 0.00005 and 0.00006; TOPMed 0.00005; ExAC 0.00006; ESP Exome Variant Server 0.00008.

Submissions (3):

Labcorp Genetics (formerly Invitae), Labcorp
Classification: Uncertain significance for H syndrome. Last evaluated: 2024-12-31. Review status: criteria provided, single submitter. Criteria: Invitae Variant Classification Sherloc (09022015). Collection method: clinical testing. Allele origin: germline.
Comment: This sequence change replaces asparagine, which is neutral and polar, with serine, which is neutral and polar, at codon 197 of the SLC29A3 protein (p.Asn197Ser). This variant is present in population databases (rs367979437, gnomAD 0.02%). This variant has not been reported in the literature in individuals affected with SLC29A3-related conditions. ClinVar contains an entry for this variant (Variation ID: 1425492). Invitae Evidence Modeling of protein sequence and biophysical properties (such as structural, functional, and spatial information, amino acid conservation, physicochemical variation, residue mobility, and thermodynamic stability) has been performed for this missense variant. However, the output from this modeling did not meet the statistical confidence thresholds required to predict the impact of this variant on SLC29A3 protein function. In summary, the available evidence is currently insufficient to determine the role of this variant in disease. Therefore, it has been classified as a Variant of Uncertain Significance.

Blueprint Genetics
Classification: Uncertain significance. Last evaluated: 2024-10-16. Review status: criteria provided, single submitter. Criteria: ACMG Guidelines, 2015. Collection method: clinical testing. Allele origin: germline.

Ambry Genetics
Classification: Uncertain significance for Inborn genetic diseases. Last evaluated: 2022-12-02. Review status: criteria provided, single submitter. Criteria: Ambry Variant Classification Scheme 2023. Collection method: clinical testing. Allele origin: germline.

NM_018344.6(SLC29A3):c.590A>G (p.Asn197Ser)

Gene: SLC29A3 (solute carrier family 29 member 3; plus strand). Cytogenetic location: 10q22.1.
Variant type: single nucleotide variant.
Coding change: c.590A>G on transcript NM_018344.6 (MANE Select); coding-DNA position 590, A replaced by G.
Protein change: p.Asn197Ser; replaces asparagine 197 with serine.
Molecular consequence: missense variant. On other transcripts: non-coding transcript variant (1).
Genome position (GRCh38, 1-based): chr10:71,351,768, A>G. VCF-style: chr10-71351768-A-G. GRCh37 (hg19) VCF-style: chr10-73111525-A-G.
Other names: c.590A>G, p.Asn197Ser (NM_001174098.2); c.356A>G, p.Asn119Ser (NM_001363518.2); c.590A>G (NM_018344.5); short protein forms N119S, N197S.
Identifiers: ClinVar variation 1425492 (VCV001425492.9), dbSNP rs367979437, ClinGen allele CA5542971.